The following is an entry in ClinVar:

NM_013339.4(ALG6):c.1300T>A (p.Phe434Ile)

Gene: ALG6 (ALG6 alpha-1,3-glucosyltransferase; plus strand). Cytogenetic location: 1p31.3.
Variant type: single nucleotide variant.
Coding change: c.1300T>A on transcript NM_013339.4 (MANE Select); coding-DNA position 1300, T replaced by A.
Protein change: p.Phe434Ile; replaces phenylalanine 434 with isoleucine.
Molecular consequence: missense variant.
Genome position (GRCh38, 1-based): chr1:63,429,100, T>A. VCF-style: chr1-63429100-T-A. GRCh37 (hg19) VCF-style: chr1-63894771-T-A.
Other names: short protein forms F434I.
Identifiers: ClinVar variation 1364223 (VCV001364223.3), dbSNP rs200661626, ClinGen allele CA888414.

ClinVar aggregate classification (germline): Uncertain significance (1 of 4 stars; one submission).

Conditions:
ALG6-congenital disorder of glycosylation 1C (CDG1C). Also called: CDG Ic; Congenital disorder of glycosylation, type Ic; CARBOHYDRATE-DEFICIENT GLYCOPROTEIN SYNDROME, TYPE I, WITH DEFICIENT GLYCOSYLATION OF DOLICHOL-LINKED OLIGOSACCHARIDE; CARBOHYDRATE-DEFICIENT GLYCOPROTEIN SYNDROME, TYPE V; Congenital disorder of glycosylation type 1C. Identifiers: Orphanet 79320, MedGen C2930997, MONDO:0011291, OMIM 603147.

Allele frequency attached by ClinVar (database versions not stated): gnomAD exomes below 0.00001 and 0.00002; ExAC 0.00005; TOPMed 0.00005; gnomAD 0.00007 and 0.00008; 1000 Genomes Project 30x 0.00016; 1000 Genomes Project 0.00020.
gnomAD v4.1: 16 of 1,602,528 alleles (0.001%); highest among the groups gnomAD compares: African/African-American, 0.021%; no homozygotes.

Submission:

Labcorp Genetics (formerly Invitae), Labcorp
Classification: Uncertain significance for ALG6-congenital disorder of glycosylation 1C. Last evaluated: 2022-06-26. Review status: criteria provided, single submitter. Criteria: Invitae Variant Classification Sherloc (09022015). Collection method: clinical testing. Allele origin: germline.
Comment: This sequence change replaces phenylalanine, which is neutral and non-polar, with isoleucine, which is neutral and non-polar, at codon 434 of the ALG6 protein (p.Phe434Ile). This variant is present in population databases (rs200661626, gnomAD 0.04%). This variant has not been reported in the literature in individuals affected with ALG6-related conditions. Algorithms developed to predict the effect of missense changes on protein structure and function (SIFT, PolyPhen-2, Align-GVGD) all suggest that this variant is likely to be tolerated. In summary, the available evidence is currently insufficient to determine the role of this variant in disease. Therefore, it has been classified as a Variant of Uncertain Significance.